The following is an entry in ClinVar:

ClinVar aggregate classification (germline): Uncertain significance (1 of 4 stars; one submission).

Conditions:
Freeman-Sheldon syndrome (DA2A). Also called: Arthrogryposis, distal, type 2A (Freeman-Sheldon); CRANIOCARPOTARSAL DYSPLASIA; CRANIOCARPOTARSAL DYSTROPHY; WHISTLING FACE-WINDMILL VANE HAND SYNDROME. Identifiers: Orphanet 2053, MedGen C0265224, MONDO:0008675, OMIM 193700.

Submission:

UNC Molecular Genetics  Laboratory, University of North Carolina at Chapel Hill
Classification: Uncertain significance for Freeman-Sheldon syndrome. Last evaluated: 2021-02-01. Review status: criteria provided, single submitter. Criteria: ACMG Guidelines, 2015. Collection method: research. Allele origin: germline. Observed: 1 variant allele. Study: CSER_NCGENES.
Comment: The MYH3 c.356C>T (p.Ser119Leu) is a missense variant that changes a single amino acid in the encoded protein from serine to leucine. To our knowledge, this variant has not been previously reported in affected individuals in the literature. This variant is absent from human population studies such as the Genome Aggregation Database (gnomAD). Computational prediction tools and conservation analysis suggest that this variant may be damaging to protein function. This variant impacts the myosin head domain. Missense variants in the head domain have been found in MYH3-related distal arthrogryposis disorders (PMID: 25256237). Without additional clinical or functional evidence, this is considered a variant of uncertain significance.

Literature cited by the submitters: PubMed 25256237.

NM_002470.4(MYH3):c.356C>T (p.Ser119Leu)

Gene: MYH3 (myosin heavy chain 3; minus strand). Cytogenetic location: 17p13.1.
Variant type: single nucleotide variant.
Coding change: c.356C>T on transcript NM_002470.4 (MANE Select); coding-DNA position 356, C replaced by T.
Protein change: p.Ser119Leu; replaces serine 119 with leucine.
Molecular consequence: missense variant.
Genome position (GRCh38, 1-based): chr17:10,651,661, G>A on the plus strand (C>T on the coding strand, the complement: MYH3 is on the minus strand). VCF-style: chr17-10651661-G-A. GRCh37 (hg19) VCF-style: chr17-10554978-G-A.
Other names: short protein forms S119L.
Identifiers: ClinVar variation 1064574 (VCV001064574.1), dbSNP rs2142423298, ClinGen allele CA398115319.